The following is an entry in ClinVar:

ClinVar aggregate classification (germline): Uncertain significance (1 of 4 stars; one submission).

Conditions:
Cutis laxa, autosomal dominant 2 (ADCL2). Identifiers: Orphanet 90348, MedGen C3280794, MONDO:0013751, OMIM 614434.

Allele frequency attached by ClinVar (database versions not stated): gnomAD exomes below 0.00001.
gnomAD v4.1: 1 of 1,614,096 alleles (0.000062%); highest among the groups gnomAD compares: Non-Finnish European, 0.000085%; no homozygotes.

Submission:

Centre for Mendelian Genomics, University Medical Centre Ljubljana
Classification: Uncertain significance for Cutis laxa, autosomal dominant 2. Last evaluated: 2020-03-05. Review status: criteria provided, single submitter. Criteria: ACMG Guidelines, 2015. Collection method: clinical testing. Allele origin: unknown. Affected: yes.
Comment: This variant was classified as: Uncertain significance. The following ACMG criteria were applied in classifying this variant: PM2,PP3.

NM_006329.4(FBLN5):c.1130C>T (p.Ala377Val)

Gene: FBLN5 (fibulin 5; minus strand). Cytogenetic location: 14q32.12.
Variant type: single nucleotide variant.
Coding change: c.1130C>T on transcript NM_006329.4 (MANE Select); coding-DNA position 1130, C replaced by T.
Protein change: p.Ala377Val; replaces alanine 377 with valine.
Molecular consequence: missense variant.
Genome position (GRCh38, 1-based): chr14:91,877,542, G>A on the plus strand (C>T on the coding strand, the complement: FBLN5 is on the minus strand). VCF-style: chr14-91877542-G-A. GRCh37 (hg19) VCF-style: chr14-92343886-G-A.
Other names: c.1253C>T, p.Ala418Val (NM_001384158.1); c.1181C>T, p.Ala394Val (NM_001384159.1); c.1130C>T, p.Ala377Val (NM_001384160.1); c.962C>T, p.Ala321Val (NM_001384161.1, NM_001384162.1); short protein forms A377V, A321V, A394V, A418V.
Identifiers: ClinVar variation 930246 (VCV000930246.3), dbSNP rs1889226797, ClinGen allele CA390640550.